The following is an entry in ClinVar:

ClinVar aggregate classification (germline): Uncertain significance (1 of 4 stars; one submission).

Submission:

Labcorp Genetics (formerly Invitae), Labcorp
Classification: Uncertain significance. Last evaluated: 2025-02-15. Review status: criteria provided, single submitter. Criteria: Invitae Variant Classification Sherloc (09022015). Collection method: clinical testing. Allele origin: germline.
Comment: This sequence change replaces arginine, which is basic and polar, with glutamine, which is neutral and polar, at codon 607 of the PLEKHG2 protein (p.Arg607Gln). This variant is present in population databases (rs770402704, gnomAD 0.004%). This variant has not been reported in the literature in individuals affected with PLEKHG2-related conditions. An algorithm developed to predict the effect of missense changes on protein structure and function outputs the following: PolyPhen-2: "Probably Damaging". The glutamine amino acid residue is found in multiple mammalian species, which suggests that this missense change does not adversely affect protein function. In summary, the available evidence is currently insufficient to determine the role of this variant in disease. Therefore, it has been classified as a Variant of Uncertain Significance.

NM_022835.3(PLEKHG2):c.1820G>A (p.Arg607Gln)

Gene: PLEKHG2 (pleckstrin homology and RhoGEF domain containing G2; plus strand). Cytogenetic location: 19q13.2.
Variant type: single nucleotide variant.
Coding change: c.1820G>A on transcript NM_022835.3 (MANE Select); coding-DNA position 1820, G replaced by A.
Protein change: p.Arg607Gln; replaces arginine 607 with glutamine.
Molecular consequence: missense variant. On other transcripts: intron variant (1).
Genome position (GRCh38, 1-based): chr19:39,422,874, G>A. VCF-style: chr19-39422874-G-A. GRCh37 (hg19) VCF-style: chr19-39913514-G-A.
Other names: c.1643G>A, p.Arg548Gln (NM_001351693.2); c.1677+586G>A (NM_001351694.2); short protein forms R607Q, R548Q.
Identifiers: ClinVar variation 4697440 (VCV004697440.1).